The following is an entry in ClinVar:

ClinVar aggregate classification (germline): Uncertain significance (1 of 4 stars; one submission).

gnomAD v4.1: 1 of 1,613,484 alleles (0.000062%); highest among the groups gnomAD compares: African/African-American, 0.0013%; no homozygotes.

Submission:

Labcorp Genetics (formerly Invitae), Labcorp
Classification: Uncertain significance. Last evaluated: 2024-07-25. Review status: criteria provided, single submitter. Criteria: Invitae Variant Classification Sherloc (09022015). Collection method: clinical testing. Allele origin: germline.
Comment: This sequence change affects codon 309 of the CLCN7 mRNA. It is a 'silent' change, meaning that it does not change the encoded amino acid sequence of the CLCN7 protein. This variant is not present in population databases (gnomAD no frequency). This variant has not been reported in the literature in individuals affected with CLCN7-related conditions. Algorithms developed to predict the effect of sequence changes on RNA splicing suggest that this variant may disrupt the consensus splice site. In summary, the available evidence is currently insufficient to determine the role of this variant in disease. Therefore, it has been classified as a Variant of Uncertain Significance.

NM_001287.6(CLCN7):c.927G>T (p.Leu309=)

Gene: CLCN7 (chloride voltage-gated channel 7; minus strand). Cytogenetic location: 16p13.3.
Variant type: single nucleotide variant.
Coding change: c.927G>T on transcript NM_001287.6 (MANE Select); coding-DNA position 927, G replaced by T.
Protein change: p.Leu309=; no amino-acid change (leucine 309 retained).
Molecular consequence: synonymous variant.
Genome position (GRCh38, 1-based): chr16:1,455,785, C>A on the plus strand (G>T on the coding strand, the complement: CLCN7 is on the minus strand). VCF-style: chr16-1455785-C-A. GRCh37 (hg19) VCF-style: chr16-1505786-C-A.
Other names: c.855G>T, p.Leu285= (NM_001114331.3).
Identifiers: ClinVar variation 3676060 (VCV003676060.2).